The following is an entry in ClinVar:

ClinVar aggregate classification (germline): Pathogenic. Review status: criteria provided, multiple submitters, no conflicts (2 of 4 stars). 5 submissions from 5 submitters: Pathogenic (5). Last evaluated 2025-03-04.

Conditions:
Hereditary cancer-predisposing syndrome. Also called: Neoplastic Syndromes, Hereditary; Hereditary Cancer Syndrome; Tumor predisposition; Hereditary neoplastic syndrome. Identifiers: Orphanet 140162, MedGen C0027672, MeSH D009386, MONDO:0015356.
Peutz-Jeghers syndrome (PJS). Also called: Peutz-Jeghers polyposis; Periorificial lentiginosis syndrome; POLYPOSIS, HAMARTOMATOUS INTESTINAL; POLYPS-AND-SPOTS SYNDROME. Identifiers: Orphanet 2869, MedGen C0031269, MeSH D010580, MONDO:0008280, OMIM 175200.

Submissions (5):

Center for Genomic Medicine, Rigshospitalet, Copenhagen University Hospital
Classification: Pathogenic. Last evaluated: 2025-03-04. Review status: criteria provided, single submitter. Criteria: ACMG Guidelines, 2015. Collection method: clinical testing. Allele origin: germline.

Bioscientia Institut fuer Medizinische Diagnostik GmbH, Sonic Healthcare
Classification: Pathogenic for Peutz-Jeghers syndrome. Last evaluated: 2025-01-30. Review status: criteria provided, single submitter. Criteria: ACMG Guidelines, 2015. Collection method: clinical testing. Allele origin: germline. Affected: yes.
Comment: ACMG-criteria: PVS1, PM2, PP5

Myriad Genetics, Inc.
Classification: Pathogenic for Peutz-Jeghers syndrome. Last evaluated: 2024-02-12. Review status: criteria provided, single submitter. Criteria: Myriad Autosomal Dominant, Autosomal Recessive and X-Linked Classification Criteria (2023). Collection method: clinical testing. Allele origin: unknown.
Comment: This variant is considered pathogenic. This variant creates a termination codon and is predicted to result in premature protein truncation.

Labcorp Genetics (formerly Invitae), Labcorp
Classification: Pathogenic for Peutz-Jeghers syndrome. Last evaluated: 2022-09-10. Review status: criteria provided, single submitter. Criteria: Invitae Variant Classification Sherloc (09022015). Collection method: clinical testing. Allele origin: germline.
Comment: For these reasons, this variant has been classified as Pathogenic. ClinVar contains an entry for this variant (Variation ID: 1697823). This premature translational stop signal has been observed in individual(s) with Peutz-Jeghers syndrome (PMID: 21118512, 23718779). This variant is not present in population databases (gnomAD no frequency). This sequence change creates a premature translational stop signal (p.Tyr292*) in the STK11 gene. It is expected to result in an absent or disrupted protein product. Loss-of-function variants in STK11 are known to be pathogenic (PMID: 15188174, 16287113).

Ambry Genetics
Classification: Pathogenic for Hereditary cancer-predisposing syndrome. Last evaluated: 2020-12-30. Review status: criteria provided, single submitter. Criteria: Ambry Variant Classification Scheme 2023. Collection method: clinical testing. Allele origin: germline.
Comment: The p.Y292* pathogenic mutation (also known as c.876C>G), located in coding exon 7 of the STK11 gene, results from a C to G substitution at nucleotide position 876. This changes the amino acid from a tyrosine to a stop codon within coding exon 7. This mutation has been reported in multiple individuals diagnosed with Peutz-Jeghers syndrome (PJS) (Papp J et al. BMC Med. Genet. 2010 Nov;11:169; Borun P et al. BMC Med. Genet. 2013 May;14:58). In addition to the clinical data presented in the literature, this alteration is expected to result in loss of function by premature protein truncation or nonsense-mediated mRNA decay. As such, this alteration is interpreted as a disease-causing mutation.

Literature cited by the submitters: PubMed 21118512 (cited by 3 submitters); PubMed 23718779 (cited by Labcorp Genetics (formerly Invitae), Labcorp and Ambry Genetics); PubMed 15188174 (cited by Labcorp Genetics (formerly Invitae), Labcorp); PubMed 16287113 (cited by Labcorp Genetics (formerly Invitae), Labcorp).

NM_000455.5(STK11):c.876C>G (p.Tyr292Ter)

Gene: STK11 (serine/threonine kinase 11; plus strand). Cytogenetic location: 19p13.3.
Variant type: single nucleotide variant.
Coding change: c.876C>G on transcript NM_000455.5 (MANE Select); coding-DNA position 876, C replaced by G.
Protein change: p.Tyr292Ter; replaces tyrosine 292 with a stop codon.
Molecular consequence: nonsense.
Genome position (GRCh38, 1-based): chr19:1,221,962, C>G. VCF-style: chr19-1221962-C-G. GRCh37 (hg19) VCF-style: chr19-1221961-C-G.
Other names: c.876C>G (NM_000455.4); short protein forms Y292*.
Identifiers: ClinVar variation 1697823 (VCV001697823.15), dbSNP rs148928808, ClinGen allele CA402951192.